The following is an entry in ClinVar:

ClinVar aggregate classification (germline): Uncertain significance (1 of 4 stars; one submission).

Conditions:
Camptomelic dysplasia (CMPD). Also called: CMPD1/SRA1; Campomelic Dysplasia. Identifiers: Orphanet 140, MedGen C1861922, MONDO:0007251, OMIM 114290.

Submission:

Labcorp Genetics (formerly Invitae), Labcorp
Classification: Uncertain significance for Camptomelic dysplasia. Last evaluated: 2023-03-04. Review status: criteria provided, single submitter. Criteria: Invitae Variant Classification Sherloc (09022015). Collection method: clinical testing. Allele origin: germline.
Comment: This variant, c.1236_1238dup, results in the insertion of 1 amino acid(s) of the SOX9 protein (p.Gln412dup), but otherwise preserves the integrity of the reading frame. This variant is not present in population databases (gnomAD no frequency). This variant has not been reported in the literature in individuals affected with SOX9-related conditions. In summary, the available evidence is currently insufficient to determine the role of this variant in disease. Therefore, it has been classified as a Variant of Uncertain Significance.

NM_000346.4(SOX9):c.1227GCA[5] (p.Gln412_His413insGln)

Gene: SOX9 (SRY-box transcription factor 9; plus strand). Cytogenetic location: 17q24.3.
Variant type: Microsatellite.
Coding change: c.1227GCA[5] on transcript NM_000346.4 (MANE Select); five copies in a row of the 3-base unit GCA starting at c.1227; the reference has four copies in a row; one copy, 3 bases duplicated.
Protein change: p.Gln412_His413insGln.
Molecular consequence: inframe insertion.
Genome position (GRCh38, 1-based): chr17:72,124,093-72,124,095, GCA duplicated; duplicating any 3 consecutive bases within chr17:72,124,083-72,124,095 gives the same sequence; the position shown is the placement nearest the transcript's 3' end. VCF-style (leftmost placement, unchanged base first): chr17-72124082-G-GAGC. GRCh37 (hg19) VCF-style: chr17-70120223-G-GAGC.
Identifiers: ClinVar variation 3008477 (VCV003008477.3), dbSNP rs1567911609, ClinGen allele CA986080903.